The following is an entry in ClinVar:

ClinVar aggregate classification (germline): Uncertain significance (1 of 4 stars; one submission).

Conditions:
Duchenne muscular dystrophy (DMD). Also called: MUSCULAR DYSTROPHY, PSEUDOHYPERTROPHIC PROGRESSIVE, DUCHENNE TYPE; Duchenne Muscular Dystrophy (DMD). Identifiers: Orphanet 98896, MedGen C0013264, MONDO:0010679, OMIM 310200.

Allele frequency attached by ClinVar (database versions not stated): gnomAD exomes below 0.00001 and 0.00001; ExAC 0.00001; gnomAD 0.00001.
gnomAD v4.1: 3 of 1,209,587 alleles (0.00025%); highest among the groups gnomAD compares: South Asian, 0.0018%; no homozygotes.

Submission:

Labcorp Genetics (formerly Invitae), Labcorp
Classification: Uncertain significance for Duchenne muscular dystrophy. Last evaluated: 2021-09-24. Review status: criteria provided, single submitter. Criteria: Invitae Variant Classification Sherloc (09022015). Collection method: clinical testing. Allele origin: germline.
Comment: This sequence change replaces tryptophan with cysteine at codon 143 of the DMD protein (p.Trp143Cys). The tryptophan residue is highly conserved and there is a large physicochemical difference between tryptophan and cysteine. This variant is present in population databases (rs763567086, ExAC 0.01%). This variant has not been reported in the literature in individuals with DMD-related conditions. Algorithms developed to predict the effect of missense changes on protein structure and function (SIFT, PolyPhen-2, Align-GVGD) all suggest that this variant is likely to be disruptive, but these predictions have not been confirmed by published functional studies and their clinical significance is uncertain. In summary, the available evidence is currently insufficient to determine the role of this variant in disease. Therefore, it has been classified as a Variant of Uncertain Significance.

NM_004006.3(DMD):c.429G>T (p.Trp143Cys)

Gene: DMD (dystrophin; minus strand). Cytogenetic location: Xp21.1.
Variant type: single nucleotide variant.
Coding change: c.429G>T on transcript NM_004006.3 (MANE Select); coding-DNA position 429, G replaced by T.
Protein change: p.Trp143Cys; replaces tryptophan 143 with cysteine.
Molecular consequence: missense variant.
Genome position (GRCh38, 1-based): chrX:32,816,569, C>A on the plus strand (G>T on the coding strand, the complement: DMD is on the minus strand). VCF-style: chrX-32816569-C-A. GRCh37 (hg19) VCF-style: chrX-32834686-C-A.
Other names: c.405G>T, p.Trp135Cys (NM_000109.4); c.417G>T, p.Trp139Cys (NM_004009.3); c.60G>T, p.Trp20Cys (NM_004010.3); short protein forms W20C, W139C, W143C, W135C.
Identifiers: ClinVar variation 1360736 (VCV001360736.5), dbSNP rs763567086, ClinGen allele CA10380160.
Genomic context (GRCh38, chrX:32,816,569, plus strand): 5'-CCAGCTGGTGGTGAAGTTGATTACATTAACCTGTGGATAATTACGAGTTGATTGTCGGAC[C>A]CAGCTCAGGAGAATCTTTTCACTGTTGGTTTGTTGCAATCCAGCCATGATATTTTTCATT-3'
Protein context (NP_003997.2, residues 133-153): QTNSEKILLS[Trp143Cys]VRQSTRNYPQ